The following is an entry in ClinVar:

ClinVar aggregate classification (germline): Likely benign (1 of 4 stars; one submission).

Allele frequency attached by ClinVar (database versions not stated): 1000 Genomes Project 30x 0.00547; 1000 Genomes Project 0.00559; gnomAD 0.00825; TOPMed 0.00965.
gnomAD v4.1: 1,461 of 152,242 alleles (0.96%); highest among the groups gnomAD compares: Admixed American, 1.4%; 10 homozygotes.

Submission:

GeneDx
Classification: Likely benign. Last evaluated: 2018-06-19. Review status: criteria provided, single submitter. Criteria: GeneDx Variant Classification (06012015). Collection method: clinical testing. Allele origin: germline. Affected: yes.
Comment: This variant is considered likely benign or benign based on one or more of the following criteria: it is a conservative change, it occurs at a poorly conserved position in the protein, it is predicted to be benign by multiple in silico algorithms, and/or has population frequency not consistent with disease.

NM_001851.6(COL9A1):c.801+154A>T

Gene: COL9A1 (collagen type IX alpha 1 chain; minus strand). Cytogenetic location: 6q13.
Variant type: single nucleotide variant.
Coding change: c.801+154A>T on transcript NM_001851.6 (MANE Select); 154 bases into the intron after coding-DNA position 801, A replaced by T.
Molecular consequence: intron variant.
Genome position (GRCh38, 1-based): chr6:70,282,744, T>A on the plus strand (A>T on the coding strand, the complement: COL9A1 is on the minus strand). VCF-style: chr6-70282744-T-A. GRCh37 (hg19) VCF-style: chr6-70992447-T-A.
Other names: c.72+237A>T (NM_001377290.1, NM_078485.4, NM_001377289.1); c.801+154A>T (NM_001377291.1).
Identifiers: ClinVar variation 679458 (VCV000679458.1), dbSNP rs117320420, ClinGen allele CA140820220.